The following is an entry in ClinVar:

NM_006031.6(PCNT):c.935G>A (p.Arg312Gln)

Gene: PCNT (pericentrin; plus strand). Cytogenetic location: 21q22.3.
Variant type: single nucleotide variant.
Coding change: c.935G>A on transcript NM_006031.6 (MANE Select); coding-DNA position 935, G replaced by A.
Protein change: p.Arg312Gln; replaces arginine 312 with glutamine.
Molecular consequence: missense variant.
Genome position (GRCh38, 1-based): chr21:46,346,957, G>A. VCF-style: chr21-46346957-G-A. GRCh37 (hg19) VCF-style: chr21-47766871-G-A.
Other names: c.581G>A, p.Arg194Gln (NM_001315529.2); short protein forms R194Q, R312Q.
Identifiers: ClinVar variation 3358687 (VCV003358687.2).

ClinVar aggregate classification (germline): Uncertain significance (1 of 4 stars; one submission).

Conditions:
PCNT-related disorder. Also called: PCNT-related condition.

gnomAD v4.1: 26 of 1,596,510 alleles (0.0016%); highest among the groups gnomAD compares: African/African-American, 0.0027%; no homozygotes.

Submission:

PreventionGenetics, part of Exact Sciences
Classification: Uncertain significance for PCNT-related condition. Last evaluated: 2025-04-22. Review status: criteria provided, single submitter. Criteria: ACMG Guidelines, 2015. Collection method: clinical testing. Allele origin: germline.
Comment: The PCNT c.935G>A variant is predicted to result in the amino acid substitution p.Arg312Gln. To our knowledge, this variant has not been reported in the literature. This variant is reported in 0.0073% of alleles in individuals of African descent in gnomAD. At this time, the clinical significance of this variant is uncertain due to the absence of conclusive functional and genetic evidence.